The following is an entry in ClinVar:

NM_015557.3(CHD5):c.2792G>A (p.Arg931Gln)

Gene: CHD5 (chromodomain helicase DNA binding protein 5; minus strand). Cytogenetic location: 1p36.31.
Variant type: single nucleotide variant.
Coding change: c.2792G>A on transcript NM_015557.3 (MANE Select); coding-DNA position 2792, G replaced by A.
Protein change: p.Arg931Gln; replaces arginine 931 with glutamine.
Molecular consequence: missense variant.
Genome position (GRCh38, 1-based): chr1:6,135,308, C>T on the plus strand (G>A on the coding strand, the complement: CHD5 is on the minus strand). VCF-style: chr1-6135308-C-T. GRCh37 (hg19) VCF-style: chr1-6195368-C-T.
Other names: short protein forms R931Q.
Identifiers: ClinVar variation 1213025 (VCV001213025.5), dbSNP rs2100851477, ClinGen allele CA338078768.
Genomic context (GRCh38, chr1:6,135,308, plus strand): 5'-TCCACCCGGACAATGAGCTCGGTCTTGGCCGGCATGTTCTTGAACACGTCAGCCTTGAGC[C>T]GCCTGAGCATGTGCGGCCCCAGCAGGTCATGCAGCTTCTTGATCTGGTCTTCCTTGGAGA-3'
Protein context (NP_056372.1, residues 921-941): HDLLGPHMLR[Arg931Gln]LKADVFKNMP

ClinVar aggregate classification (germline): Likely pathogenic (1 of 4 stars; one submission).

Allele frequency attached by ClinVar (database versions not stated): gnomAD exomes below 0.00001.
gnomAD v4.1: 1 of 1,614,120 alleles (0.000062%); highest among the groups gnomAD compares: Non-Finnish European, 0.000085%; no homozygotes.

Submission:

GeneDx
Classification: Likely pathogenic. Last evaluated: 2025-02-03. Review status: criteria provided, single submitter. Criteria: GeneDx Variant Classification Process June 2021. Collection method: clinical testing. Allele origin: germline. Affected: yes.
Comment: Not observed at significant frequency in large population cohorts (gnomAD); In silico analysis supports that this missense variant has a deleterious effect on protein structure/function; Has not been previously published as pathogenic or benign to our knowledge